The following is an entry in ClinVar:

ClinVar aggregate classification (germline): Uncertain significance (1 of 4 stars; one submission).

Submission:

Labcorp Genetics (formerly Invitae), Labcorp
Classification: Uncertain significance. Last evaluated: 2026-01-18. Review status: criteria provided, single submitter. Criteria: Invitae Variant Classification Sherloc (09022015). Collection method: clinical testing. Allele origin: germline.
Comment: This sequence change replaces proline, which is neutral and non-polar, with alanine, which is neutral and non-polar, at codon 725 of the COL4A1 protein (p.Pro725Ala). This variant is not present in population databases (gnomAD no frequency). This variant has not been reported in the literature in individuals affected with COL4A1-related conditions. Invitae Evidence Modeling of protein sequence and biophysical properties (such as structural, functional, and spatial information, amino acid conservation, physicochemical variation, residue mobility, and thermodynamic stability) indicates that this missense variant is not expected to disrupt COL4A1 protein function with a negative predictive value of 95%. In summary, the available evidence is currently insufficient to determine the role of this variant in disease. Therefore, it has been classified as a Variant of Uncertain Significance.

NM_001845.6(COL4A1):c.2173C>G (p.Pro725Ala)

Gene: COL4A1 (collagen type IV alpha 1 chain; minus strand). Cytogenetic location: 13q34.
Variant type: single nucleotide variant.
Coding change: c.2173C>G on transcript NM_001845.6 (MANE Select); coding-DNA position 2173, C replaced by G.
Protein change: p.Pro725Ala; replaces proline 725 with alanine.
Molecular consequence: missense variant.
Genome position (GRCh38, 1-based): chr13:110,181,312, G>C on the plus strand (C>G on the coding strand, the complement: COL4A1 is on the minus strand). VCF-style: chr13-110181312-G-C. GRCh37 (hg19) VCF-style: chr13-110833659-G-C.
Other names: short protein forms P725A.
Identifiers: ClinVar variation 4809204 (VCV004809204.1).